The following is an entry in ClinVar:

ClinVar aggregate classification (germline): Pathogenic/Likely pathogenic. Review status: criteria provided, multiple submitters, no conflicts (2 of 4 stars). 2 submissions from 2 submitters: Pathogenic (1); Likely pathogenic (1). Last evaluated 2022-10-09.

Conditions:
Marshall-Smith syndrome (MRSHSS). Identifiers: Orphanet 561, MedGen C0265211, MONDO:0011244, OMIM 602535.
Malan overgrowth syndrome (MALNS). Also called: MALAN SYNDROME; NFIX-Related Malan Syndrome; Sotos syndrome 2. Identifiers: Orphanet 420179, MedGen C3553660, MONDO:0013885, OMIM 614753.

Submissions (2):

Medical Genetics Center, Maternal and Child Health Hospital of Hubei Province
Classification: Pathogenic for Malan overgrowth syndrome. Last evaluated: 2022-10-09. Review status: criteria provided, single submitter. Criteria: ACMG Guidelines, 2015. Collection method: clinical testing. Allele origin: de novo. Affected: yes.
Comment: PVS1 + PM2_Supporting + PS2_Supporting

University of Washington Department of Laboratory Medicine, University of Washington
Classification: Likely pathogenic for Malan overgrowth syndrome; Marshall-Smith syndrome. Last evaluated: 2022-07-26. Review status: criteria provided, single submitter. Criteria: ACMG Guidelines, 2015. Collection method: clinical testing. Allele origin: unknown. Affected: yes.
Comment: The c.721+1G>A variant in the NFIX gene has not been previously reported in association with disease. However, a different nucleotide change (c.721+2T>G) disrupting the same canonical splice site has been submitted to ClinVar and is expected to result in a similar disruption to protein function as c.721+1G>A (Variation ID: 1319912). The c.721+1G>A variant was absent from large population databases, including the Genome Aggregation Database. The c.721+1G>A variant alters the canonical donor splice site in intron 4 which is predicted to result in abnormal gene splicing. These predictions have not been tested directly and it is not known whether the protein would undergo nonsense mediated decay. The variant is located in the CAAT-box transcription factor-nuclear factor I (CTF-NF1) domain, which is not within a region well-associated with either Malan or Marshall-Smith syndrome; however, to the best of our knowledge Marshall-Smith syndrome-associated variants have not been reported upstream of this position (Priolo 2018). Using ACMG guidelines, this variant was classified as likely pathogenic for NFIX-related neurodevelopmental disorders (ACMG evidence codes used: PVS1, PM2_supporting).

NM_001365902.3(NFIX):c.697+1G>A

Gene: NFIX (nuclear factor I X; plus strand). Cytogenetic location: 19p13.13.
Variant type: single nucleotide variant.
Coding change: c.697+1G>A on transcript NM_001365902.3 (MANE Select); the canonical splice donor site of the intron after coding-DNA position 697, G replaced by A.
Molecular consequence: splice donor variant.
Genome position (GRCh38, 1-based): chr19:13,073,497, G>A. VCF-style: chr19-13073497-G-A. GRCh37 (hg19) VCF-style: chr19-13184311-G-A.
Other names: c.697+1G>A (NM_002501.4, NM_001365982.2); c.673+1G>A (NM_001378404.1, NM_001271044.3); c.745+1G>A (NM_001378405.1); c.556+1G>A (NM_001365983.2); c.721+1G>A (NM_001271043.2); c.694+1G>A (NM_001365984.2, NM_001365985.2).
Identifiers: ClinVar variation 3777179 (VCV003777179.2).
Genomic context (GRCh38, chr19:13,073,497, plus strand): 5'-AGGACTGTTTTGTGACTTCCGGGGTCTGGAATGTGACGGAGCTGGTGAGAGTATCACAGA[G>A]TAAGTGAGTCCTTCCTTCCAGGCCAGGGATGGGGATTGAAAGTGAGGAGGTGGGACCTCA-3'